The following is an entry in ClinVar:

NC_000018.9:g.(?_77439948)_(77456090_?)dup

Gene: CTDP1 (CTD phosphatase subunit 1; plus strand). Cytogenetic location: 18q23.
Variant type: Duplication.
Identifiers: ClinVar variation 2425207 (VCV002425207.4).

ClinVar aggregate classification (germline): Uncertain significance (1 of 4 stars; one submission).

Submission:

Labcorp Genetics (formerly Invitae), Labcorp
Classification: Uncertain significance. Last evaluated: 2022-08-16. Review status: criteria provided, single submitter. Criteria: Invitae Variant Classification Sherloc (09022015). Collection method: clinical testing. Allele origin: germline.
Comment: This variant results in a copy number gain of the genomic region encompassing exon(s) 1-3 of the CTDP1 gene. This region includes the initiator codon of the gene. This copy number gain extends beyond the assayed region for this gene and therefore may encompass additional genes. As the precise location of this event is unknown, it may be in tandem or it may be located elsewhere in the genome. In summary, the available evidence is currently insufficient to determine the role of this variant in disease. Therefore, it has been classified as a Variant of Uncertain Significance. This variant has not been reported in the literature in individuals affected with CTDP1-related conditions.